The following is an entry in ClinVar:

ClinVar aggregate classification (germline): Pathogenic/Likely pathogenic. Review status: criteria provided, multiple submitters, no conflicts (2 of 4 stars). 3 submissions from 3 submitters: Pathogenic (2); Likely pathogenic (1). Last evaluated 2024-04-01.

Conditions:
Mucopolysaccharidosis, MPS-IV-B (MPS4B). Also called: Mucopolysaccharidosis Type IVB (Morquio B Disease); Mucopolysaccharidosis type 4B; MORQUIO SYNDROME B; Mucopolysaccharidosis type IVB (Morquio); MPS IVB; Mucopolysaccharidosis type IV B. Identifiers: Orphanet 309310, Orphanet 582, MedGen C0086652, MONDO:0009660, OMIM 253010.
GM1 gangliosidosis. Identifiers: Orphanet 354, MedGen C0085131, MONDO:0018149.
Infantile GM1 gangliosidosis. Also called: GM1-gangliosidosis, type I; Gangliosidosis, generalized GM1, infantile form; GLB1 deficiency; GM1 gangliosidosis type 1; Gangliosidosis, Generalized GM1, Type 1. Identifiers: Orphanet 354, Orphanet 79255, MedGen C0268271, MONDO:0009260, OMIM 230500.
GLB1-related disorder. Also called: GLB1-related disorders. Identifiers: MedGen CN377807.

Submissions (3):

Greenwood Genetic Center Diagnostic Laboratories, Greenwood Genetic Center
Classification: Pathogenic for GLB1-related disorder. Last evaluated: 2024-04-01. Review status: criteria provided, single submitter. Criteria: ACMG Guidelines, 2015. Collection method: clinical testing. Allele origin: germline. Affected: yes.
Comment: PVS1, PM2, PM3

Labcorp Genetics (formerly Invitae), Labcorp
Classification: Pathogenic for Mucopolysaccharidosis, MPS-IV-B; GM1 gangliosidosis. Last evaluated: 2022-09-15. Review status: criteria provided, single submitter. Criteria: Invitae Variant Classification Sherloc (09022015). Collection method: clinical testing. Allele origin: germline.
Comment: Algorithms developed to predict the effect of sequence changes on RNA splicing suggest that this variant may disrupt the consensus splice site. For these reasons, this variant has been classified as Pathogenic. ClinVar contains an entry for this variant (Variation ID: 1685330). This sequence change affects an acceptor splice site in intron 5 of the GLB1 gene. It is expected to disrupt RNA splicing. Variants that disrupt the donor or acceptor splice site typically lead to a loss of protein function (PMID: 16199547), and loss-of-function variants in GLB1 are known to be pathogenic (PMID: 18524657). This variant is not present in population databases (gnomAD no frequency). Disruption of this splice site has been observed in individual(s) with GM1-gangliosidosis (PMID: 27679996). In at least one individual the data is consistent with being in trans (on the opposite chromosome) from a pathogenic variant. It has also been observed to segregate with disease in related individuals.

Mendelics
Classification: Likely pathogenic for Infantile GM1 gangliosidosis. Last evaluated: 2022-05-04. Review status: criteria provided, single submitter. Criteria: Mendelics Assertion Criteria 2019. Collection method: clinical testing. Allele origin: germline.

Literature cited by the submitters: PubMed 16199547 (cited by Labcorp Genetics (formerly Invitae), Labcorp); PubMed 18524657 (cited by Labcorp Genetics (formerly Invitae), Labcorp); PubMed 27679996 (cited by Labcorp Genetics (formerly Invitae), Labcorp).

NM_000404.4(GLB1):c.553-2A>T

Gene: GLB1 (galactosidase beta 1; minus strand). Cytogenetic location: 3p22.3.
Variant type: single nucleotide variant.
Coding change: c.553-2A>T on transcript NM_000404.4 (MANE Select); the canonical splice acceptor site of the intron before coding-DNA position 553, A replaced by T.
Molecular consequence: splice acceptor variant. On other transcripts: intron variant (1).
Genome position (GRCh38, 1-based): chr3:33,058,271, T>A on the plus strand (A>T on the coding strand, the complement: GLB1 is on the minus strand). VCF-style: chr3-33058271-T-A. GRCh37 (hg19) VCF-style: chr3-33099763-T-A.
Other names: c.553-2A>T (NM_001393580.1); c.341-4722A>T (NM_001135602.3); c.697-2A>T (NM_001317040.2); c.463-2A>T (NM_001079811.3).
Identifiers: ClinVar variation 1685330 (VCV001685330.7), dbSNP rs2125533195, ClinGen allele CA352004999.